The following is an entry in ClinVar:

NM_138775.3(ALKBH8):c.878+1G>T

Gene: ALKBH8 (alkB homolog 8, tRNA methyltransferase; minus strand). Cytogenetic location: 11q22.3.
Variant type: single nucleotide variant.
Coding change: c.878+1G>T on transcript NM_138775.3 (MANE Select); the canonical splice donor site of the intron after coding-DNA position 878, G replaced by T.
Molecular consequence: splice donor variant.
Genome position (GRCh38, 1-based): chr11:107,532,299, C>A on the plus strand (G>T on the coding strand, the complement: ALKBH8 is on the minus strand). VCF-style: chr11-107532299-C-A. GRCh37 (hg19) VCF-style: chr11-107403025-C-A.
Other names: c.878+1G>T (NM_001378133.1, NM_001301010.3).
Identifiers: ClinVar variation 4537898 (VCV004537898.2).

ClinVar aggregate classification (germline): Likely pathogenic (1 of 4 stars; one submission).

Submission:

GeneDx
Classification: Likely pathogenic. Last evaluated: 2026-03-18. Review status: criteria provided, single submitter. Criteria: GeneDx Variant Classification Process June 2021. Collection method: clinical testing. Allele origin: germline.
Comment: Canonical splice site variant predicted to result in a null allele in a gene for which loss of function is a known mechanism of disease; Not observed at significant frequency in large population cohorts (gnomAD); Has not been previously published as pathogenic or benign to our knowledge